The following is an entry in ClinVar:

ClinVar aggregate classification (germline): Pathogenic/Likely pathogenic. Review status: criteria provided, multiple submitters, no conflicts (2 of 4 stars). 3 submissions from 3 submitters: Pathogenic (1); Likely pathogenic (2). Last evaluated 2018-10-31.

Conditions:
Cardio-facio-cutaneous syndrome. Also called: Cardiofaciocutaneous syndrome; CFC syndrome. Identifiers: Orphanet 1340, MedGen C1275081, MONDO:0015280. Disease mechanism: gain of function.
Lung carcinoma. Identifiers: MedGen C0684249, MONDO:0005138.
Cardiofaciocutaneous syndrome 1 (CFC1). Also called: BRAF-Related Cardiofaciocutaneous Syndrome. Identifiers: Orphanet 1340, MedGen CN029449, MONDO:0007265, OMIM 115150. Disease mechanism: gain of function.
LEOPARD syndrome 3 (LPRD3). Identifiers: Orphanet 500, MedGen C3150971, MONDO:0013380, OMIM 613707.
Noonan syndrome 7 (NS7). Also called: BRAF-Related Noonan Syndrome. Identifiers: Orphanet 648, MedGen C3150970, MONDO:0013379, OMIM 613706.
Noonan syndrome 1 (NS1). Also called: FEMALE PSEUDO-TURNER SYNDROME; PTPN11-Related Noonan Syndrome; TURNER PHENOTYPE WITH NORMAL KARYOTYPE. Identifiers: Orphanet 648, MedGen C4551602, MONDO:0008104, OMIM 163950. Disease mechanism: gain of function.

Submissions (3):

Fulgent Genetics
Classification: Likely pathogenic for Cardiofaciocutaneous syndrome 1; Noonan syndrome 1; Lung cancer; Noonan syndrome 7; LEOPARD syndrome 3. Last evaluated: 2018-10-31. Review status: criteria provided, single submitter. Criteria: ACMG Guidelines, 2015. Collection method: clinical testing. Allele origin: unknown.

GeneDx
Classification: Likely pathogenic. Last evaluated: 2017-08-18. Review status: criteria provided, single submitter. Criteria: GeneDx Variant Classification (06012015). Collection method: clinical testing. Allele origin: germline. Affected: yes.
Comment: The N581K variant has been published previously as apparently de novo in association with cardio-facio-cutaneous (CFC) syndrome (Nava et al., 2007). The variant is not observed in large population cohorts (Lek et al., 2016; 1000 Genomes Consortium et al., 2015; Exome Variant Server). N581K is a semi-conservative amino acid substitution, which may impact secondary protein structure as these residues differ in some properties. This substitution occurs at a position within the protein kinase catalytic loop that is conserved across species, and in silico analysis predicts this variant is probably damaging to the protein structure/function. Missense variants in the same residue (N581D) and in nearby residues (N580D) have been reported in the Human Gene Mutation Database in association with CFC syndrome (Stenson et al., 2014), supporting the functional importance of this region of the protein. In summary, this variant is likely pathogenic.

Laboratory for Molecular Medicine, Mass General Brigham Personalized Medicine
Classification: Pathogenic for Cardio-facio-cutaneous syndrome. Last evaluated: 2011-03-24. Review status: criteria provided, single submitter. Criteria: LMM Criteria. Collection method: clinical testing. Allele origin: germline. Observed: 1 variant allele.
Comment: The Asn581Lys variant has been reported in the literature as a de novo variant i n one individual with the clinical features of Cardio-facio-cutaneous syndrome ( Nava 2007). Therefore, this variant is highly likely to be pathogenic.

Literature cited by the submitters: PubMed 17704260 (cited by Laboratory for Molecular Medicine, Mass General Brigham Personalized Medicine).

NM_004333.6(BRAF):c.1743T>A (p.Asn581Lys)

Gene: BRAF (B-Raf proto-oncogene, serine/threonine kinase; minus strand). Cytogenetic location: 7q34.
Variant type: single nucleotide variant.
Coding change: c.1743T>A on transcript NM_004333.6 (MANE Select); coding-DNA position 1743, T replaced by A.
Protein change: p.Asn581Lys; replaces asparagine 581 with lysine.
Molecular consequence: missense variant.
Genome position (GRCh38, 1-based): chr7:140,753,392, A>T on the plus strand (T>A on the coding strand, the complement: BRAF is on the minus strand). VCF-style: chr7-140753392-A-T. GRCh37 (hg19) VCF-style: chr7-140453192-A-T.
Other names: c.1743T>A, p.Asn581Lys (NM_001354609.2, NM_001378468.1, NM_001378474.1); c.1863T>A, p.Asn621Lys (NM_001374244.1, NM_001374258.1); c.1752T>A, p.Asn584Lys (NM_001378467.1); c.1677T>A, p.Asn559Lys (NM_001378469.1); c.1641T>A, p.Asn547Lys (NM_001378470.1); c.1632T>A, p.Asn544Lys (NM_001378471.1); c.1587T>A, p.Asn529Lys (NM_001378472.1, NM_001378473.1); c.1479T>A, p.Asn493Lys (NM_001378475.1); short protein forms N581K, N529K, N547K, N559K, N493K, N544K, N584K, N621K.
Identifiers: ClinVar variation 44811 (VCV000044811.6), dbSNP rs397516895, ClinGen allele CA280022.